The following is an entry in ClinVar:

ClinVar aggregate classification (germline): Uncertain significance (1 of 4 stars; one submission).

Allele frequency attached by ClinVar (database versions not stated): TOPMed below 0.00001; gnomAD exomes 0.00001.
gnomAD v4.1: 4 of 1,614,126 alleles (0.00025%); highest among the groups gnomAD compares: Admixed American, 0.0017%; no homozygotes.

Submission:

Labcorp Genetics (formerly Invitae), Labcorp
Classification: Uncertain significance. Last evaluated: 2023-12-10. Review status: criteria provided, single submitter. Criteria: Invitae Variant Classification Sherloc (09022015). Collection method: clinical testing. Allele origin: germline.
Comment: This sequence change replaces serine, which is neutral and polar, with leucine, which is neutral and non-polar, at codon 223 of the CSF2RB protein (p.Ser223Leu). This variant is not present in population databases (gnomAD no frequency). This variant has not been reported in the literature in individuals affected with CSF2RB-related conditions. ClinVar contains an entry for this variant (Variation ID: 2119933). Advanced modeling of protein sequence and biophysical properties (such as structural, functional, and spatial information, amino acid conservation, physicochemical variation, residue mobility, and thermodynamic stability) performed at Invitae indicates that this missense variant is not expected to disrupt CSF2RB protein function with a negative predictive value of 80%. In summary, the available evidence is currently insufficient to determine the role of this variant in disease. Therefore, it has been classified as a Variant of Uncertain Significance.

NM_000395.3(CSF2RB):c.668C>T (p.Ser223Leu)

Gene: CSF2RB (colony stimulating factor 2 receptor subunit beta; plus strand). Cytogenetic location: 22q12.3.
Variant type: single nucleotide variant.
Coding change: c.668C>T on transcript NM_000395.3 (MANE Select); coding-DNA position 668, C replaced by T.
Protein change: p.Ser223Leu; replaces serine 223 with leucine.
Molecular consequence: missense variant.
Genome position (GRCh38, 1-based): chr22:36,929,757, C>T. VCF-style: chr22-36929757-C-T. GRCh37 (hg19) VCF-style: chr22-37325799-C-T.
Other names: c.668C>T, p.Ser223Leu (NM_001410827.1); short protein forms S223L.
Identifiers: ClinVar variation 2119933 (VCV002119933.4), dbSNP rs1941108522, ClinGen allele CA411406610.